The following is an entry in ClinVar:

NM_002097.3(GTF3A):c.623_624del (p.His208fs)

Gene: GTF3A (general transcription factor IIIA; plus strand). Cytogenetic location: 13q12.2.
Variant type: Deletion.
Coding change: c.623_624del on transcript NM_002097.3 (MANE Select); coding-DNA positions 623 to 624, 2 bases deleted (AT; older notation c.623_624delAT).
Protein change: p.His208fs; shifts the reading frame from histidine 208.
Molecular consequence: frameshift variant.
Genome position (GRCh38, 1-based): chr13:27,434,199-27,434,200, AT deleted. VCF-style (leftmost placement, unchanged base first): chr13-27434198-CAT-C. GRCh37 (hg19) VCF-style: chr13-28008335-CAT-C.
Other names: short protein forms H208fs.
Identifiers: ClinVar variation 4880171 (VCV004880171.1).

ClinVar aggregate classification (germline): Likely pathogenic (1 of 4 stars; one submission).

Conditions:
Primary ciliary dyskinesia. Also called: Ciliary dyskinesia. Identifiers: Orphanet 244, MedGen C0008780, MONDO:0016575, HP:0012265.

Submission:

Department of Human Genetics, Hannover Medical School
Classification: Likely pathogenic for Primary Ciliary Dyskinesia. Last evaluated: 2026-04-01. Review status: criteria provided, single submitter. Criteria: ACMG Guidelines, 2015. Collection method: research. Allele origin: germline. Affected: no.
Comment: Classification performed by HerediClassify using the following criteria:['PM2_supporting: Variant occures does not occur as homozygous in gnomAD.', 'PVS1_protein_very_strong: Transcript ENST00000381140 is predicted to undergo NMD.']